The following is an entry in ClinVar:

NM_001142556.2(HMMR):c.229G>A (p.Glu77Lys)

Gene: HMMR (hyaluronan mediated motility receptor; plus strand). Cytogenetic location: 5q34.
Variant type: single nucleotide variant.
Coding change: c.229G>A on transcript NM_001142556.2 (MANE Select); coding-DNA position 229, G replaced by A.
Protein change: p.Glu77Lys; replaces glutamic acid 77 with lysine.
Molecular consequence: missense variant. On other transcripts: intron variant (2).
Genome position (GRCh38, 1-based): chr5:163,467,704, G>A. VCF-style: chr5-163467704-G-A. GRCh37 (hg19) VCF-style: chr5-162894710-G-A.
Other names: c.226G>A, p.Glu76Lys (NM_012484.3); c.226-1937G>A (NM_012485.3); c.13-1937G>A (NM_001142557.2); short protein forms E76K, E77K.
Identifiers: ClinVar variation 4056733 (VCV004056733.1).

ClinVar aggregate classification (germline): Uncertain significance (1 of 4 stars; one submission).

Conditions:
Familial cancer of breast. Also called: BREAST CANCER, FAMILIAL; Hereditary breast cancer; hereditary breast carcinoma. Identifiers: Orphanet 227535, MedGen C0346153, MONDO:0016419, OMIM 114480. Disease mechanism: loss of function.

gnomAD v4.1: 4 of 1,528,332 alleles (0.00026%); highest among the groups gnomAD compares: East Asian, 0.0045%; no homozygotes.

Submission:

Laboratorio de Genetica e Diagnostico Molecular, Hospital Israelita Albert Einstein
Classification: Uncertain significance for Familial cancer of breast. Last evaluated: 2024-11-28. Review status: criteria provided, single submitter. Criteria: ACMG Guidelines, 2015. Collection method: clinical testing. Allele origin: germline. Affected: yes.
Comment: ACMG classification criteria: PM2 supporting, BP4 supporting